The following is an entry in ClinVar:

ClinVar aggregate classification (germline): Uncertain significance (1 of 4 stars; one submission).

Conditions:
Anauxetic dysplasia. Identifiers: Orphanet 93347, MedGen C1846796, MONDO:0011773.

Submission:

Labcorp Genetics (formerly Invitae), Labcorp
Classification: Uncertain significance for Anauxetic dysplasia. Last evaluated: 2024-08-21. Review status: criteria provided, single submitter. Criteria: Invitae Variant Classification Sherloc (09022015). Collection method: clinical testing. Allele origin: germline.
Comment: This variant occurs in the RMRP gene, which encodes an RNA molecule that does not result in a protein product. This variant is not present in population databases (gnomAD no frequency). This variant has not been reported in the literature in individuals affected with RMRP-related conditions. Experimental studies and prediction algorithms are not available or were not evaluated, and the functional significance of this variant is currently unknown. In summary, the available evidence is currently insufficient to determine the role of this variant in disease. Therefore, it has been classified as a Variant of Uncertain Significance.

NC_000009.12:g.35658032CA[3]

Gene: RMRP (RNA component of mitochondrial RNA processing endoribonuclease; minus strand). Cytogenetic location: 9p13.3.
Variant type: Microsatellite.
Genome position: GRCh38 VCF-style: chr9-35658031-T-TCA. GRCh37 (hg19) VCF-style: chr9-35658028-T-TCA.
Identifiers: ClinVar variation 2167559 (VCV002167559.4), dbSNP rs1554651515, ClinGen allele CA2580616190.